The following is an entry in ClinVar:

NM_003072.5(SMARCA4):c.98G>T (p.Gly33Val)

Gene: SMARCA4 (SWI/SNF related BAF chromatin remodeling complex subunit ATPase 4; plus strand). Cytogenetic location: 19p13.2.
Variant type: single nucleotide variant.
Coding change: c.98G>T on transcript NM_003072.5 (MANE Select); coding-DNA position 98, G replaced by T.
Protein change: p.Gly33Val; replaces glycine 33 with valine.
Molecular consequence: missense variant. On other transcripts: non-coding transcript variant (1).
Genome position (GRCh38, 1-based): chr19:10,984,249, G>T. VCF-style: chr19-10984249-G-T. GRCh37 (hg19) VCF-style: chr19-11094925-G-T.
Other names: c.98G>T, p.Gly33Val (NM_001128844.3, NM_001128845.2, NM_001128846.2 and 6 more transcripts); short protein forms G33V.
Identifiers: ClinVar variation 1768553 (VCV001768553.2), dbSNP rs2513935029, ClinGen allele CA404054192.
Genomic context (GRCh38, chr19:10,984,249, plus strand): 5'-GGCCAGGTCCTTCCCCGGGCCCTGGCCCTTCCCCTGGAGCCATGCTGGGCCCTAGCCCGG[G>T]TCCCTCGCCGGGCTCCGCCCACAGCATGATGGGGCCCAGCCCAGGGCCGCCCTCAGCAGG-3'
Protein context (NP_003063.2, residues 23-43): SPGAMLGPSP[Gly33Val]PSPGSAHSMM

ClinVar aggregate classification (germline): Uncertain significance (1 of 4 stars; one submission).

Conditions:
Hereditary cancer-predisposing syndrome. Also called: Hereditary Cancer Syndrome; Hereditary neoplastic syndrome; Neoplastic Syndromes, Hereditary; Tumor predisposition. Identifiers: Orphanet 140162, MedGen C0027672, MeSH D009386, MONDO:0015356.

Submission:

Ambry Genetics
Classification: Uncertain significance for Hereditary cancer-predisposing syndrome. Last evaluated: 2021-09-07. Review status: criteria provided, single submitter. Criteria: Ambry Variant Classification Scheme 2023. Collection method: clinical testing. Allele origin: germline.
Comment: The p.G33V variant (also known as c.98G>T), located in coding exon 1 of the SMARCA4 gene, results from a G to T substitution at nucleotide position 98. The glycine at codon 33 is replaced by valine, an amino acid with dissimilar properties. This amino acid position is highly conserved in available vertebrate species. In addition, this alteration is predicted to be deleterious by in silico analysis. Missense and in-frame variants in SMARCA4 are known to cause neurodevelopmental disorders; however, such associations with rhabdoid tumor predisposition syndrome including small cell carcinoma of the ovary-hypercalcemic type (SCCOHT) are exceedingly rare (Kosho T et al. Am J Med Genet C Semin Med Genet. 2014 Sep;166C(3):262-75; Jelinic P et al. Nat Genet. 2014 May;46(5):424-6). Since supporting evidence is limited at this time, the clinical significance of this alteration remains unclear.